The following is an entry in ClinVar:

ClinVar aggregate classification (germline): Conflicting classifications of pathogenicity. Review status: criteria provided, conflicting classifications (1 of 4 stars). 8 submissions from 8 submitters: Likely pathogenic (3); Uncertain significance (4). 1 of the submissions does not count toward it. Last evaluated 2025-12-07.

Conditions:
Giant axonal neuropathy. Identifiers: MedGen C5200933, MONDO:0000128.
Inborn genetic diseases. Identifiers: MedGen C0950123, MeSH D030342.
Giant axonal neuropathy 1 (GAN1). Also called: GIANT AXONAL NEUROPATHY 1, AUTOSOMAL RECESSIVE; GAN-Related Neurodegeneration. Identifiers: Orphanet 643, MedGen C1850386, MONDO:0009749, OMIM 256850.

Allele frequency attached by ClinVar (database versions not stated): gnomAD 0.00011; TOPMed 0.00015; ESP Exome Variant Server 0.00023.
gnomAD v4.1: 326 of 1,613,632 alleles (0.02%); highest among the groups gnomAD compares: Non-Finnish European, 0.021%; 2 homozygotes.

Submissions (8):

Labcorp Genetics (formerly Invitae), Labcorp
Classification: Likely pathogenic for Giant axonal neuropathy 1. Last evaluated: 2025-12-07. Review status: criteria provided, single submitter. Criteria: Invitae Variant Classification Sherloc (09022015). Collection method: clinical testing. Allele origin: germline.
Comment: This sequence change replaces proline, which is neutral and non-polar, with leucine, which is neutral and non-polar, at codon 315 of the GAN protein (p.Pro315Leu). This variant is present in population databases (rs144486241, gnomAD 0.07%), including at least one homozygous and/or hemizygous individual. This missense change has been observed in individual(s) with clinical features of giant axonal neuropathy (PMID: 14718689, 17578852, 34114613, 37273706, 37712079; internal data). In at least one individual the data is consistent with being in trans (on the opposite chromosome) from a pathogenic variant. ClinVar contains an entry for this variant (Variation ID: 245843). Invitae Evidence Modeling of protein sequence and biophysical properties (such as structural, functional, and spatial information, amino acid conservation, physicochemical variation, residue mobility, and thermodynamic stability) indicates that this missense variant is not expected to disrupt GAN protein function with a negative predictive value of 80%. In summary, the currently available evidence indicates that the variant is pathogenic, but additional data are needed to prove that conclusively. Therefore, this variant has been classified as Likely Pathogenic.

Dasa
Classification: Uncertain significance. Last evaluated: 2025-06-05. Review status: criteria provided, single submitter. Criteria: DASA Assertion Criteria. Collection method: clinical testing. Allele origin: germline.
Comment: NM_022041.4(GAN):c.944C>T (p.Pro315Leu) is a missense variant that results in the substitution of proline with leucine. This variant has been recurrently observed in individuals with GAN-related disorders (PMID: 17578852; PMID: 14718689; PMID: 21356581). Also, this variant is rare in population databases. The currently available literature and clinical evidence are not sufficient to establish a definitive association between this variant and the reported condition. Therefore, this variant is classified as a variant of uncertain significance.

Mayo Clinic Laboratories, Mayo Clinic
Classification: Likely pathogenic. Last evaluated: 2025-04-16. Review status: criteria provided, single submitter. Criteria: ACMG Guidelines, 2015. Collection method: clinical testing. Allele origin: germline. Observed: 2 variant alleles.
Comment: PP4, PM3_strong, PS4_moderate

Clinical Omics and Informatics (COIN) Unit, Neuroscience Institute, University Of Cape Town
Classification: Uncertain significance for Giant axonal neuropathy. Last evaluated: 2024-05-22. Review status: criteria provided, single submitter. Criteria: ACMG Guidelines, 2015. Collection method: research. Allele origin: germline. Inheritance: Autosomal recessive inheritance. Affected: yes. Observed: 1 variant allele, 1 compound heterozygote.
Comment: PM2_supporting: the highest population allele frequency in gnomAD v4.0 is 0.0008910 (0.089%; 57/63974 alleles in European Finnish population) and in gnomAD v3.1.2 is 0.0007556 (0.076%; 1/10588 alleles in European Finnish population) and the variant is absent from an internal database of 1074 alleles. PS4_supporting: variant identified in 2 unrelated probands with consistent phenotype for disorder (PMID 14718689, PMID 17578852). PP3 not met: REVEL score is 0.49. Sequencing funded by the International Centre for Genomic Medicine in Neuromuscular Diseases (ICGNMD).

Blueprint Genetics
Classification: Uncertain significance. Last evaluated: 2024-01-05. Review status: criteria provided, single submitter. Criteria: ACMG Guidelines, 2015. Collection method: clinical testing. Allele origin: germline.

Ambry Genetics
Classification: Uncertain significance for Inborn genetic diseases. Last evaluated: 2022-01-18. Review status: criteria provided, single submitter. Criteria: Ambry Variant Classification Scheme 2023. Collection method: clinical testing. Allele origin: germline.
Comment: The p.P315L variant (also known as c.944C>T), located in coding exon 5 of the GAN gene, results from a C to T substitution at nucleotide position 944. The proline at codon 315 is replaced by leucine, an amino acid with similar properties. In one individual with giant axonal neuropathy, this alteration was detected in trans with a frameshift alteration in GAN (Houlden H et al. J Neurol Neurosurg Psychiatry, 2007 Nov;78:1267-70). This alteration was also detected as compound heterozygous with a missense alteration in GAN In another individual with giant axonal neuropathy; however, the phase of the variants was unknown (Bruno C et al. Neurology, 2004 Jan;62:13-6). This amino acid position is well conserved in available vertebrate species. In addition, this alteration is predicted to be deleterious by in silico analysis. Since supporting evidence is limited at this time, the clinical significance of this alteration remains unclear.

GeneDx
Classification: Likely pathogenic. Last evaluated: 2021-06-24. Review status: criteria provided, single submitter. Criteria: GeneDx Variant Classification Process June 2021. Collection method: clinical testing. Allele origin: germline. Affected: yes.
Comment: The majority of missense variants in this gene are considered pathogenic (Stenson et al., 2014); In silico analysis, which includes protein predictors and evolutionary conservation, supports that this variant does not alter protein structure/function; This variant is associated with the following publications: (PMID: 17256086, 17578852, 14718689, 21356581, 23890932)

Inherited Neuropathy Consortium Ii, University Of Miami
Classification: Uncertain significance for Giant axonal neuropathy 1. Last evaluated: 2016-01-06. Review status: no assertion criteria provided. Collection method: literature only. Allele origin: germline. Affected: yes. Not counted in ClinVar's aggregate classification.

Literature cited by the submitters: PubMed 14718689 (cited by 6 submitters); PubMed 17578852 (cited by 5 submitters); PubMed 34114613 (cited by Labcorp Genetics (formerly Invitae), Labcorp and Mayo Clinic Laboratories, Mayo Clinic); PubMed 37273706 (cited by Labcorp Genetics (formerly Invitae), Labcorp and Mayo Clinic Laboratories, Mayo Clinic); PubMed 37712079 (cited by 3 submitters); PubMed 21356581 (cited by Dasa and Mayo Clinic Laboratories, Mayo Clinic); PubMed 17256086 (cited by Mayo Clinic Laboratories, Mayo Clinic); PubMed 23890932 (cited by Mayo Clinic Laboratories, Mayo Clinic); PubMed 35936615 (cited by Mayo Clinic Laboratories, Mayo Clinic).

NM_022041.4(GAN):c.944C>T (p.Pro315Leu)

Gene: GAN (gigaxonin; plus strand). Cytogenetic location: 16q23.2.
Variant type: single nucleotide variant.
Coding change: c.944C>T on transcript NM_022041.4 (MANE Select); coding-DNA position 944, C replaced by T.
Protein change: p.Pro315Leu; replaces proline 315 with leucine.
Molecular consequence: missense variant.
Genome position (GRCh38, 1-based): chr16:81,357,902, C>T. VCF-style: chr16-81357902-C-T. GRCh37 (hg19) VCF-style: chr16-81391507-C-T.
Other names: c.305C>T, p.Pro102Leu (NM_001377486.1); short protein forms P315L, P102L.
Identifiers: ClinVar variation 245843 (VCV000245843.37), dbSNP rs144486241, ClinGen allele CA8191540.